The following is an entry in ClinVar:

ClinVar aggregate classification (germline): Uncertain significance. Review status: criteria provided, multiple submitters, no conflicts (2 of 4 stars). 2 submissions from 2 submitters: Uncertain significance (2). Last evaluated 2025-06-07.

Allele frequency attached by ClinVar (database versions not stated): gnomAD exomes 0.00002; gnomAD 0.00003; TOPMed 0.00004; ExAC 0.00011; 1000 Genomes Project 30x 0.00016; 1000 Genomes Project 0.00020.
gnomAD v4.1: 28 of 1,613,244 alleles (0.0017%); highest among the groups gnomAD compares: East Asian, 0.06%; no homozygotes.

Submissions (2):

Ambry Genetics
Classification: Uncertain significance. Last evaluated: 2025-06-07. Review status: criteria provided, single submitter. Criteria: Ambry Variant Classification Scheme 2023. Collection method: clinical testing. Allele origin: germline.

Labcorp Genetics (formerly Invitae), Labcorp
Classification: Uncertain significance. Last evaluated: 2024-12-29. Review status: criteria provided, single submitter. Criteria: Invitae Variant Classification Sherloc (09022015). Collection method: clinical testing. Allele origin: germline.
Comment: This sequence change replaces alanine, which is neutral and non-polar, with valine, which is neutral and non-polar, at codon 202 of the ZNF687 protein (p.Ala202Val). This variant is present in population databases (rs587679932, gnomAD 0.1%), and has an allele count higher than expected for a pathogenic variant. This variant has not been reported in the literature in individuals affected with ZNF687-related conditions. ClinVar contains an entry for this variant (Variation ID: 2971022). An algorithm developed to predict the effect of missense changes on protein structure and function outputs the following: PolyPhen-2: "Benign". The valine amino acid residue is found in multiple mammalian species, which suggests that this missense change does not adversely affect protein function. In summary, the available evidence is currently insufficient to determine the role of this variant in disease. Therefore, it has been classified as a Variant of Uncertain Significance.

NM_020832.3(ZNF687):c.605C>T (p.Ala202Val)

Gene: ZNF687 (zinc finger protein 687; plus strand). Cytogenetic location: 1q21.3.
Variant type: single nucleotide variant.
Coding change: c.605C>T on transcript NM_020832.3 (MANE Select); coding-DNA position 605, C replaced by T.
Protein change: p.Ala202Val; replaces alanine 202 with valine.
Molecular consequence: missense variant.
Genome position (GRCh38, 1-based): chr1:151,286,896, C>T. VCF-style: chr1-151286896-C-T. GRCh37 (hg19) VCF-style: chr1-151259372-C-T.
Other names: c.605C>T (NM_020832.1); c.605C>T, p.Ala202Val (NM_001304763.2, NM_001304764.2); short protein forms A202V.
Identifiers: ClinVar variation 2971022 (VCV002971022.4), dbSNP rs587679932, ClinGen allele CA1088183.
Genomic context (GRCh38, chr1:151,286,896, plus strand): 5'-CCTCTCCCACTCGGGAGGGGGCTCTGACCCCGCCTCCTTTCCCCTCTTCCTTTGAGCTGG[C>T]CCAGGAGAATGGCCCAGGCATGCAGCCACCTGTTTCTTCCCCACCATTGGGGGCCTTGAA-3'
Protein context (NP_065883.1, residues 192-212): PPPFPSSFEL[Ala202Val]QENGPGMQPP